The following is an entry in ClinVar:

ClinVar aggregate classification (germline): Uncertain significance (1 of 4 stars; one submission).

Conditions:
Myofibrillar myopathy 4. Also called: Zaspopathy (type). Identifiers: Orphanet 98912, MedGen C4721886, MONDO:0012277, OMIM 609452.

Allele frequency attached by ClinVar (database versions not stated): gnomAD below 0.00001.
gnomAD v4.1: 6 of 1,564,690 alleles (0.00038%); highest among the groups gnomAD compares: South Asian, 0.0069%; no homozygotes.

Submission:

Labcorp Genetics (formerly Invitae), Labcorp
Classification: Uncertain significance for Myofibrillar myopathy 4. Last evaluated: 2023-04-19. Review status: criteria provided, single submitter. Criteria: Invitae Variant Classification Sherloc (09022015). Collection method: clinical testing. Allele origin: germline.
Comment: Experimental studies and prediction algorithms are not available or were not evaluated, and the functional significance of this variant is currently unknown. In summary, the available evidence is currently insufficient to determine the role of this variant in disease. Therefore, it has been classified as a Variant of Uncertain Significance. This variant has not been reported in the literature in individuals affected with LDB3-related conditions. This variant is not present in population databases (gnomAD no frequency). This sequence change replaces threonine, which is neutral and polar, with isoleucine, which is neutral and non-polar, at codon 446 of the LDB3 protein (p.Thr446Ile). The LDB3 gene has multiple clinically relevant transcripts. This variant occurs in alternate transcript NM_007078.3, and corresponds to NM_001080116.1:c.*17058C>T in the primary transcript.

NM_007078.3(LDB3):c.1337C>T (p.Thr446Ile)

Gene: LDB3 (LIM domain binding 3; plus strand). Cytogenetic location: 10q23.2.
Variant type: single nucleotide variant.
Coding change: c.1337C>T on transcript NM_007078.3 (MANE Select); coding-DNA position 1337, C replaced by T.
Protein change: p.Thr446Ile; replaces threonine 446 with isoleucine.
Molecular consequence: missense variant.
Genome position (GRCh38, 1-based): chr10:86,716,432, C>T. VCF-style: chr10-86716432-C-T. GRCh37 (hg19) VCF-style: chr10-88476189-C-T.
Other names: c.1007C>T, p.Thr336Ile (NM_001080114.2); c.1352C>T, p.Thr451Ile (NM_001171610.2); c.1148C>T, p.Thr383Ile (NM_001368064.1, NM_001368065.1); c.1196C>T, p.Thr399Ile (NM_001368066.1); short protein forms T336I, T383I, T399I, T446I, T451I.
Identifiers: ClinVar variation 1023461 (VCV001023461.7), dbSNP rs200476126, ClinGen allele CA377449955.